The following is an entry in ClinVar:

ClinVar aggregate classification (germline): Uncertain significance (1 of 4 stars; one submission).

Conditions:
FLI1-related disorder. Also called: FLI1-related condition.

Allele frequency attached by ClinVar (database versions not stated): gnomAD exomes below 0.00001.
gnomAD v4.1: 3 of 1,613,994 alleles (0.00019%); highest among the groups gnomAD compares: Non-Finnish European, 0.00025%; no homozygotes.

Submission:

PreventionGenetics, part of Exact Sciences
Classification: Uncertain significance for FLI1-related condition. Last evaluated: 2023-02-01. Review status: criteria provided, single submitter. Criteria: ACMG Guidelines, 2015. Collection method: clinical testing. Allele origin: germline.
Comment: The FLI1 c.1123G>A variant is predicted to result in the amino acid substitution p.Glu375Lys. To our knowledge, this variant has not been reported in the literature or in a large population database, indicating this variant is rare. At this time, the clinical significance of this variant is uncertain due to the absence of conclusive functional and genetic evidence.

NM_002017.5(FLI1):c.1123G>A (p.Glu375Lys)

Gene: FLI1 (Fli-1 proto-oncogene, ETS transcription factor; plus strand). Cytogenetic location: 11q24.3.
Variant type: single nucleotide variant.
Coding change: c.1123G>A on transcript NM_002017.5 (MANE Select); coding-DNA position 1123, G replaced by A.
Protein change: p.Glu375Lys; replaces glutamic acid 375 with lysine.
Molecular consequence: missense variant.
Genome position (GRCh38, 1-based): chr11:128,810,752, G>A. VCF-style: chr11-128810752-G-A. GRCh37 (hg19) VCF-style: chr11-128680647-G-A.
Other names: c.1024G>A, p.Glu342Lys (NM_001167681.3); c.925G>A, p.Glu309Lys (NM_001271010.2); c.544G>A, p.Glu182Lys (NM_001271012.2); short protein forms E182K, E309K, E342K, E375K.
Identifiers: ClinVar variation 2629718 (VCV002629718.1), dbSNP rs2497519985, ClinGen allele CA383239095.